The following is an entry in ClinVar:

ClinVar aggregate classification (germline): Uncertain significance. Review status: criteria provided, multiple submitters, no conflicts (2 of 4 stars). 4 submissions from 4 submitters: Uncertain significance (4). Last evaluated 2025-05-31.

Conditions:
Hereditary cancer-predisposing syndrome. Also called: Neoplastic Syndromes, Hereditary; Hereditary neoplastic syndrome; Tumor predisposition; Hereditary Cancer Syndrome. Identifiers: Orphanet 140162, MedGen C0027672, MeSH D009386, MONDO:0015356.
Acute myeloid leukemia (AML). Also called: Acute myeloid leukemia, adult; AML adult; Acute non-lymphocytic leukemia; Acute granulocytic leukemia; Leukemia, acute myelogenous, somatic; Leukemia, acute myeloid, somatic. Identifiers: Orphanet 519, MedGen C0023467, MeSH D015470, MONDO:0018874, OMIM 601626, HP:0004808. Disease mechanism: Constitutively activated FLT3.
Inborn genetic diseases. Identifiers: MedGen C0950123, MeSH D030342.

Allele frequency attached by ClinVar (database versions not stated): TOPMed 0.00001.

Submissions (4):

Ambry Genetics
Classification: Uncertain significance for Inborn genetic diseases. Last evaluated: 2025-05-31. Review status: criteria provided, single submitter. Criteria: Ambry Variant Classification Scheme 2023. Collection method: clinical testing. Allele origin: germline.
Comment: The p.P23T variant (also known as c.67C>A), located in coding exon 1 of the CEBPA gene, results from a C to A substitution at nucleotide position 67. The proline at codon 23 is replaced by threonine, an amino acid with highly similar properties. This amino acid position is conserved. In addition, this alteration is predicted to be tolerated by in silico analysis. Based on the available evidence, the clinical significance of this variant remains unclear.

Labcorp Genetics (formerly Invitae), Labcorp
Classification: Uncertain significance for Acute myeloid leukemia. Last evaluated: 2023-10-27. Review status: criteria provided, single submitter. Criteria: Invitae Variant Classification Sherloc (09022015). Collection method: clinical testing. Allele origin: germline.
Comment: This sequence change replaces proline, which is neutral and non-polar, with threonine, which is neutral and polar, at codon 23 of the CEBPA protein (p.Pro23Thr). This variant is not present in population databases (gnomAD no frequency). This variant has not been reported in the literature in individuals affected with CEBPA-related conditions. ClinVar contains an entry for this variant (Variation ID: 1020807). An algorithm developed to predict the effect of missense changes on protein structure and function (PolyPhen-2) suggests that this variant is likely to be tolerated. In summary, the available evidence is currently insufficient to determine the role of this variant in disease. Therefore, it has been classified as a Variant of Uncertain Significance.

Baylor Genetics
Classification: Uncertain significance for Acute myeloid leukemia. Last evaluated: 2023-08-17. Review status: criteria provided, single submitter. Criteria: ACMG Guidelines, 2015. Collection method: clinical testing. Allele origin: unknown.

Sema4
Classification: Uncertain significance for Hereditary cancer-predisposing syndrome. Last evaluated: 2021-09-30. Review status: criteria provided, single submitter. Criteria: Sema4 Curation Guidelines. Collection method: curation. Allele origin: germline.
Comment: The CEBPA c.67C>A (p.P23T) variant has not been reported in the literature to our knowledge. It was not observed in the large and broad cohorts of the Genome Aggregation Database. The variant has been reported in ClinVar (Variation ID: 1020807). In silico tools suggest the impact of the variant on protein function is benign, though these predictions have not been confirmed by functional studies. The evidence is insufficient to meet ACMG/AMP criteria for classifying the variant as benign or pathogenic. Thus, the clinical significance of this variant is currently uncertain.

NM_004364.5(CEBPA):c.67C>A (p.Pro23Thr)

Gene: CEBPA (CCAAT enhancer binding protein alpha; minus strand). Cytogenetic location: 19q13.11.
Variant type: single nucleotide variant.
Coding change: c.67C>A on transcript NM_004364.5 (MANE Select); coding-DNA position 67, C replaced by A.
Protein change: p.Pro23Thr; replaces proline 23 with threonine.
Molecular consequence: missense variant. On other transcripts: 5 prime UTR variant (1).
Genome position (GRCh38, 1-based): chr19:33,302,348, G>T on the plus strand (C>A on the coding strand, the complement: CEBPA is on the minus strand). VCF-style: chr19-33302348-G-T. GRCh37 (hg19) VCF-style: chr19-33793254-G-T.
Other names: c.-291C>A (NM_001285829.2); c.172C>A, p.Pro58Thr (NM_001287424.2); c.25C>A, p.Pro9Thr (NM_001287435.2); short protein forms P23T, P58T, P9T.
Identifiers: ClinVar variation 1020807 (VCV001020807.12), dbSNP rs1478319097, ClinGen allele CA405275748.